The following is an entry in ClinVar:

NM_000257.4(MYH7):c.3645G>C (p.Gln1215His)

Gene: MYH7 (myosin heavy chain 7; minus strand). Cytogenetic location: 14q11.2.
Variant type: single nucleotide variant.
Coding change: c.3645G>C on transcript NM_000257.4 (MANE Select); coding-DNA position 3645, G replaced by C.
Protein change: p.Gln1215His; replaces glutamine 1215 with histidine.
Molecular consequence: missense variant.
Genome position (GRCh38, 1-based): chr14:23,419,926, C>G on the plus strand (G>C on the coding strand, the complement: MYH7 is on the minus strand). VCF-style: chr14-23419926-C-G. GRCh37 (hg19) VCF-style: chr14-23889135-C-G.
Other names: short protein forms Q1215H.
Identifiers: ClinVar variation 217463 (VCV000217463.14), dbSNP rs863225096, ClinGen allele CA279271.

ClinVar aggregate classification (germline): Conflicting classifications of pathogenicity. Review status: criteria provided, conflicting classifications (1 of 4 stars). 6 submissions from 6 submitters: Likely pathogenic (1); Uncertain significance (5). Last evaluated 2026-09-01.

Conditions:
Cardiovascular phenotype. Identifiers: MedGen CN230736.
Cardiomyopathy (CMYO). Also called: Cardiomyopathies. Identifiers: Orphanet 167848, MedGen C0878544, MONDO:0004994, HP:0001638. Inheritance: Various modes of inheritance.
Hypertrophic cardiomyopathy 1 (CMH1). Also called: MYH7-Related Familial Hypertrophic Cardiomyopathy; Familial hypertrophic cardiomyopathy 1. Identifiers: MedGen C3495498, MONDO:0008647, OMIM 192600.
Hypertrophic cardiomyopathy. Also called: HYPERTROPHIC MYOCARDIOPATHY. Identifiers: Orphanet 217569, MedGen C0007194, MeSH D002312, MONDO:0005045, HP:0001639.

Allele frequency attached by ClinVar (database versions not stated): gnomAD exomes below 0.00001; TOPMed 0.00001.
gnomAD v4.1: 8 of 1,612,444 alleles (0.0005%); highest among the groups gnomAD compares: Non-Finnish European, 0.00042%; no homozygotes.

Submissions (6):

CeGaT Center for Human Genetics Tuebingen
Classification: Uncertain significance. Last evaluated: 2026-09-01. Review status: criteria provided, single submitter. Criteria: CeGaT Center For Human Genetics Tuebingen Variant Classification Criteria Version 2. Collection method: clinical testing. Allele origin: germline. Affected: yes. Observed: 2 variant alleles.
Comment: MYH7: PM2, PP3, PS4:Supporting

Ambry Genetics
Classification: Uncertain significance for Cardiovascular phenotype. Last evaluated: 2026-03-04. Review status: criteria provided, single submitter. Criteria: Ambry Variant Classification Scheme 2023. Collection method: clinical testing. Allele origin: germline.
Comment: The p.Q1215H variant (also known as c.3645G>C), located in coding exon 25 of the MYH7 gene, results from a G to C substitution at nucleotide position 3645. The glutamine at codon 1215 is replaced by histidine, an amino acid with highly similar properties. This variant was reported in individual(s) with features consistent with hypertrophic cardiomyopathy (HCM) (Alejandra Restrepo-Cordoba M et al. J Cardiovasc Transl Res, 2017 Feb;10:35-46; Marsiglia JD et al. Am Heart J, 2013 Oct;166:775-82; Janin A et al. Mol Diagn Ther, 2021 May;25:373-385). This amino acid position is highly conserved in available vertebrate species. In addition, the in silico prediction for this alteration is inconclusive. Based on the available evidence, the clinical significance of this variant remains unclear.

Labcorp Genetics (formerly Invitae), Labcorp
Classification: Uncertain significance for Hypertrophic cardiomyopathy. Last evaluated: 2025-09-30. Review status: criteria provided, single submitter. Criteria: Invitae Variant Classification Sherloc (09022015). Collection method: clinical testing. Allele origin: germline.
Comment: This sequence change replaces glutamine, which is neutral and polar, with histidine, which is basic and polar, at codon 1215 of the MYH7 protein (p.Gln1215His). This variant is not present in population databases (gnomAD no frequency). This missense change has been observed in individual(s) with hypertrophic cardiomyopathy (PMID: 24093860, 27247418). ClinVar contains an entry for this variant (Variation ID: 217463). Invitae Evidence Modeling of protein sequence and biophysical properties (such as structural, functional, and spatial information, amino acid conservation, physicochemical variation, residue mobility, and thermodynamic stability) indicates that this missense variant is expected to disrupt MYH7 protein function with a positive predictive value of 95%. In summary, the available evidence is currently insufficient to determine the role of this variant in disease. Therefore, it has been classified as a Variant of Uncertain Significance.

All of Us Research Program, National Institutes of Health
Classification: Uncertain significance for Cardiomyopathy. Last evaluated: 2023-11-30. Review status: criteria provided, single submitter. Criteria: ACMG Guidelines, 2015. Collection method: clinical testing. Allele origin: germline. Inheritance: Autosomal dominant inheritance. Observed: 1 variant allele, 1 heterozygote.
Comment: This study involves interpretation of variants in research participants for the purpose of population health screening. Participant phenotype was not available at the time of variant classification. Additional details can be found in publication PMID: 35346344, PMCID: PMC8962531

GeneDx
Classification: Uncertain significance. Last evaluated: 2017-07-31. Review status: criteria provided, single submitter. Criteria: GeneDx Variant Classification (06012015). Collection method: clinical testing. Allele origin: germline. Affected: yes.
Comment: A variant of uncertain significance has been identified in the MYH7 gene. The Q1215H variant has been reported in at least two individuals in association with HCM, including one individual who harbored an additional variant in a different gene (Marsiglia et al., 2013; Homburger et al., 2016; Alejandra Restrepo-Cordoba et al., 2017); however, no segregation studies were reported. It is also reported as a likely pathogenic variant in ClinVar by a different clinical laboratory (SCV000256131.1; Landrum et al., 2016), although additional evidence is not available. The Q1215H variant is not observed in large population cohorts (Lek et al., 2016; 1000 Genomes Consortium et al., 2015; Exome Variant Server). Additionally, Q1215H is a semi-conservative amino acid substitution, which may impact secondary protein structure as these residues differ in some properties. Furthermore, this substitution occurs at a position that is conserved across species and in silico analysis predicts this variant is probably damaging to the protein structure/function. Nevertheless, this variant has not been observed in a significant number of affected individuals and it lacks both segregation and functional studies which would further clarify its pathogenicity.

Laboratory of Genetics and Molecular Cardiology, University of São Paulo
Classification: Likely pathogenic for Hypertrophic cardiomyopathy 1. Review status: criteria provided, single submitter. Criteria: LGCM Criteria August 2015. Collection method: clinical testing. Allele origin: germline. Inheritance: Autosomal dominant inheritance. Affected: yes. Observed: 1 variant allele. Study: Sarcomeric Human Cardiomyopathy Registry (ShaRe).

Literature cited by the submitters: PubMed 24093860 (cited by Ambry Genetics and Labcorp Genetics (formerly Invitae), Labcorp); PubMed 28138913 (cited by Ambry Genetics); PubMed 33954932 (cited by Ambry Genetics); PubMed 27247418 (cited by Labcorp Genetics (formerly Invitae), Labcorp).